The following is an entry in ClinVar:

ClinVar aggregate classification (germline): Likely benign. Review status: criteria provided, multiple submitters, no conflicts (2 of 4 stars). 2 submissions from 2 submitters: Likely benign (2). Last evaluated 2020-12-12.

Conditions:
Parkinson disease 13, autosomal dominant, susceptibility to. Identifiers: Orphanet 2828, MedGen C1853202, MONDO:0012466, OMIM 610297.

Allele frequency attached by ClinVar (database versions not stated): TOPMed 0.00019; ESP Exome Variant Server 0.00008; 1000 Genomes Project 30x 0.00016; 1000 Genomes Project 0.00020; ExAC 0.00123; gnomAD exomes 0.00150; gnomAD 0.00104 and 0.00111.
gnomAD v4.1: 1,229 of 1,563,958 alleles (0.079%); highest among the groups gnomAD compares: Non-Finnish European, 0.041%; 6 homozygotes.

Submissions (2):

GeneDx
Classification: Likely benign. Last evaluated: 2020-12-12. Review status: criteria provided, single submitter. Criteria: GeneDx Variant Classification Process June 2021. Collection method: clinical testing. Allele origin: germline. Affected: yes.

Illumina Laboratory Services, Illumina
Classification: Likely benign for Parkinson disease 13, autosomal dominant, susceptibility to. Last evaluated: 2018-01-12. Review status: criteria provided, single submitter. Criteria: ICSL Variant Classification Criteria 13 December 2019. Collection method: clinical testing. Allele origin: germline.
Comment: This variant was observed in the ICSL laboratory as part of a predisposition screen in an ostensibly healthy population. It had not been previously curated by ICSL or reported in the Human Gene Mutation Database (HGMD: prior to June 1st, 2018), and was therefore a candidate for classification through an automated scoring system. Utilizing variant allele frequency, disease prevalence and penetrance estimates, and inheritance mode, an automated score was calculated to assess if this variant is too frequent to cause the disease. Based on the score and internal cut-off values, a variant classified as likely benign is not then subjected to further curation. The score for this variant resulted in a classification of likely benign for this disease.

NM_013247.4(HTRA2):c.-547G>C

Genes: AUP1 (AUP1 lipid droplet regulating VLDL assembly factor; minus strand), HTRA2 (HtrA serine peptidase 2; plus strand). Cytogenetic location: 2p13.1.
Variant type: single nucleotide variant.
Coding change: c.-547G>C on transcript NM_013247.4; 547 bases upstream of the start codon, G replaced by C.
Molecular consequence: synonymous variant (on NM_181575.5). On other transcripts: 5 prime UTR variant (3), non-coding transcript variant (6).
Genome position (GRCh38, 1-based): chr2:74,529,460, G>C. VCF-style: chr2-74529460-G-C. GRCh37 (hg19) VCF-style: chr2-74756587-G-C.
Other names: c.-547G>C (NM_001321727.1, NM_001321728.1, NM_145074.2); c.90C>G, p.Leu30= (NM_181575.5).
Identifiers: ClinVar variation 337117 (VCV000337117.8), dbSNP rs376231592, ClinGen allele CA1728202.